The following is an entry in ClinVar:

ClinVar aggregate classification (germline): Uncertain significance (1 of 4 stars; one submission).

Conditions:
Combined oxidative phosphorylation defect type 14. Also called: Combined oxidative phosphorylation deficiency 14. Identifiers: Orphanet 319519, MedGen C4755312, MONDO:0013986, OMIM 614946.

gnomAD v4.1: 9 of 1,614,216 alleles (0.00056%); highest among the groups gnomAD compares: East Asian, 0.0022%; no homozygotes.

Submission:

Labcorp Genetics (formerly Invitae), Labcorp
Classification: Uncertain significance for Combined oxidative phosphorylation defect type 14. Last evaluated: 2022-12-06. Review status: criteria provided, single submitter. Criteria: Invitae Variant Classification Sherloc (09022015). Collection method: clinical testing. Allele origin: germline.
Comment: Advanced modeling of protein sequence and biophysical properties (such as structural, functional, and spatial information, amino acid conservation, physicochemical variation, residue mobility, and thermodynamic stability) has been performed at Invitae for this missense variant, however the output from this modeling did not meet the statistical confidence thresholds required to predict the impact of this variant on FARS2 protein function. ClinVar contains an entry for this variant (Variation ID: 862900). This variant has not been reported in the literature in individuals affected with FARS2-related conditions. This variant is not present in population databases (gnomAD no frequency). This sequence change replaces threonine, which is neutral and polar, with methionine, which is neutral and non-polar, at codon 417 of the FARS2 protein (p.Thr417Met). In summary, the available evidence is currently insufficient to determine the role of this variant in disease. Therefore, it has been classified as a Variant of Uncertain Significance.

NM_006567.5(FARS2):c.1250C>T (p.Thr417Met)

Gene: FARS2 (phenylalanyl-tRNA synthetase 2, mitochondrial; plus strand). Cytogenetic location: 6p25.1.
Variant type: single nucleotide variant.
Coding change: c.1250C>T on transcript NM_006567.5 (MANE Select); coding-DNA position 1250, C replaced by T.
Protein change: p.Thr417Met; replaces threonine 417 with methionine.
Molecular consequence: missense variant.
Genome position (GRCh38, 1-based): chr6:5,771,323, C>T. VCF-style: chr6-5771323-C-T. GRCh37 (hg19) VCF-style: chr6-5771556-C-T.
Other names: c.1250C>T, p.Thr417Met (NM_001318872.2, NM_001374875.1, NM_001374876.1 and 4 more transcripts); c.1118C>T, p.Thr373Met (NM_001375258.1); c.554C>T, p.Thr185Met (NM_001375259.1, NM_001375260.1); short protein forms T185M, T373M, T417M.
Identifiers: ClinVar variation 862900 (VCV000862900.9), dbSNP rs1000376824, ClinGen allele CA134356521.
Genomic context (GRCh38, chr6:5,771,323, plus strand): 5'-CTCACCTGTGTTCTCTTCCTCTCTGTAGGACGCACAAGACCAGCCACTGCTACCGCATCA[C>T]GTACCGCCACATGGAACGGACTCTGTCCCAGAGAGAGGTCAGGCACATCCACCAGGCCTT-3'
Protein context (NP_006558.1, residues 407-427): THKTSHCYRI[Thr417Met]YRHMERTLSQ